The following is an entry in ClinVar:

NM_000540.3(RYR1):c.14929G>C (p.Glu4977Gln)

Gene: RYR1 (ryanodine receptor 1; plus strand). Cytogenetic location: 19q13.2.
Variant type: single nucleotide variant.
Coding change: c.14929G>C on transcript NM_000540.3 (MANE Select); coding-DNA position 14929, G replaced by C.
Protein change: p.Glu4977Gln; replaces glutamic acid 4977 with glutamine.
Molecular consequence: missense variant.
Genome position (GRCh38, 1-based): chr19:38,586,151, G>C. VCF-style: chr19-38586151-G-C. GRCh37 (hg19) VCF-style: chr19-39076791-G-C.
Other names: c.14914G>C, p.Glu4972Gln (NM_001042723.2); short protein forms E4977Q, E4972Q.
Identifiers: ClinVar variation 224408 (VCV000224408.5), dbSNP rs200777598, ClinGen allele CA212107.
Genomic context (GRCh38, chr19:38,586,151, plus strand): 5'-ACCAAGTGCTTCATCTGTGGAATCGGCAGTGACTACTTTGATACGACACCGCATGGCTTC[G>C]AGACTCACACGCTGGAGGAGCACAACCTGGCCAATTACATGTGAGCAGACACACTGGCCA-3'
Protein context (NP_000531.2, residues 4967-4987): DYFDTTPHGF[Glu4977Gln]THTLEEHNLA

ClinVar aggregate classification (germline): Conflicting classifications of pathogenicity. Review status: criteria provided, conflicting classifications (1 of 4 stars). 3 submissions from 3 submitters: Likely pathogenic (1); Uncertain significance (2). Last evaluated 2024-05-14.

Conditions:
Malignant hyperthermia, susceptibility to, 1 (MHS1). Also called: Malignant hyperthermia suceptibility 1; RYR1-Related Malignant Hyperthermia Susceptibility; Anesthesia related hyperthermia; Malignant hyperpyrexia; Fulminating hyperpyrexia; Pharmacogenic myopathy. Identifiers: Orphanet 423, MedGen C2930980, MONDO:0007783, OMIM 145600.

Submissions (3):

All of Us Research Program, National Institutes of Health
Classification: Uncertain significance for Malignant hyperthermia, susceptibility to, 1. Last evaluated: 2024-05-14. Review status: criteria provided, single submitter. Criteria: ACMG Guidelines, 2015. Collection method: clinical testing. Allele origin: germline. Inheritance: Autosomal dominant inheritance. Observed: 2 variant alleles, 2 heterozygotes.
Comment: This missense variant replaces glutamic acid with glutamine at codon 4977 of the RYR1 protein. Computational prediction suggests that this variant may have deleterious impact on protein structure and function (internally defined REVEL score threshold >= 0.7, PMID: 27666373). To our knowledge, functional studies have not been reported for this variant. This variant has not been reported in individuals affected with autosomal dominant malignant hyperthermia in the literature, although it may be associated with other phenotype(s) (ClinVar Variation ID: 224408). This variant has not been identified in the general population by the Genome Aggregation Database (gnomAD). The available evidence is insufficient to determine the role of this variant in disease conclusively. Therefore, this variant is classified as a Variant of Uncertain Significance.

This study involves interpretation of variants in research participants for the purpose of population health screening. Participant phenotype was not available at the time of variant classification. Additional details can be found in publication PMID: 35346344, PMCID: PMC8962531

GeneDx
Classification: Likely pathogenic. Last evaluated: 2021-03-23. Review status: criteria provided, single submitter. Criteria: GeneDx Variant Classification Process June 2021. Collection method: clinical testing. Allele origin: germline. Affected: yes.
Comment: Not observed in large population cohorts (Lek et al., 2016); In silico analysis supports that this missense variant does not alter protein structure/function; Has not been previously published as pathogenic or benign to our knowledge

Biesecker Lab/Clinical Genomics Section, National Institutes of Health
Classification: Uncertain significance for Malignant hyperthermia, susceptibility to, 1. Last evaluated: 2013-07-01. Review status: criteria provided, single submitter. Criteria: Gonsalves et al. 2013. Collection method: research. Allele origin: unknown. Observed: 1 variant allele. Study: ClinSeq.
Comment: The study set was not selected for affection status in relation to any myopathy. Pathogenicity categories were based on literature curation. See Pubmed ID: 24195946 for details.